The following is an entry in ClinVar:

ClinVar aggregate classification (germline): Likely benign. Review status: criteria provided, single submitter (1 of 4 stars). 2 submissions from 2 submitters: Likely benign (1). 1 of the submissions does not count toward it. Last evaluated 2024-02-24.

Conditions:
LMOD3-related disorder. Also called: LMOD3-related condition.
Nemaline myopathy 10 (NEM10). Identifiers: MedGen C4015360, MONDO:0014513, OMIM 616165.

Allele frequency attached by ClinVar (database versions not stated): TOPMed below 0.00001; gnomAD exomes 0.00001; ExAC 0.00003.
gnomAD v4.1: 9 of 1,612,550 alleles (0.00056%); highest among the groups gnomAD compares: Admixed American, 0.015%; no homozygotes.

Submissions (2):

Labcorp Genetics (formerly Invitae), Labcorp
Classification: Likely benign for Nemaline myopathy 10. Last evaluated: 2024-02-24. Review status: criteria provided, single submitter. Criteria: Invitae Variant Classification Sherloc (09022015). Collection method: clinical testing. Allele origin: germline.

PreventionGenetics, part of Exact Sciences
Classification: Likely benign for LMOD3-related condition. Last evaluated: 2019-07-15. Review status: no assertion criteria provided. Collection method: clinical testing. Allele origin: germline. Not counted in ClinVar's aggregate classification.
Comment: This variant is classified as likely benign based on ACMG/AMP sequence variant interpretation guidelines (Richards et al. 2015 PMID: 25741868, with internal and published modifications).

NM_198271.5(LMOD3):c.48G>A (p.Glu16=)

Genes: LMOD3 (leiomodin 3; minus strand), LOC126806710 (CDK7 strongly-dependent group 2 enhancer GRCh37_chr3:69170601-69171800; plus strand). Cytogenetic location: 3p14.1.
Variant type: single nucleotide variant.
Coding change: c.48G>A on transcript NM_198271.5 (MANE Select); coding-DNA position 48, G replaced by A.
Protein change: p.Glu16=; no amino-acid change (glutamic acid 16 retained).
Molecular consequence: synonymous variant.
Genome position (GRCh38, 1-based): chr3:69,122,339, C>T on the plus strand (G>A on the coding strand, the complement: LMOD3 is on the minus strand). VCF-style: chr3-69122339-C-T. GRCh37 (hg19) VCF-style: chr3-69171490-C-T.
Other names: c.48G>A, p.Glu16= (NM_001304418.3); c.48G>A (NM_198271.4).
Identifiers: ClinVar variation 2148039 (VCV002148039.6), dbSNP rs775071024, ClinGen allele CA2489090.